The following is an entry in ClinVar:

ClinVar aggregate classification (germline): Conflicting classifications of pathogenicity. Review status: criteria provided, conflicting classifications (1 of 4 stars). 4 submissions from 4 submitters: Uncertain significance (1); Likely benign (2). 1 of the submissions does not count toward it. Last evaluated 2025-08-12.

Conditions:
DNMT3A-related disorder. Also called: DNMT3A-related disorders; DNMT3A-related condition.
Inborn genetic diseases. Identifiers: MedGen C0950123, MeSH D030342.
Tatton-Brown-Rahman overgrowth syndrome. Also called: Tatton-Brown-Rahman syndrome; Tall stature-intellectual disability-facial dysmorphism syndrome. Identifiers: Orphanet 404443, MedGen C4014545, MONDO:0014382, OMIM 615879.

Allele frequency attached by ClinVar (database versions not stated): gnomAD exomes 0.00001 and 0.00003; ExAC 0.00003; ESP Exome Variant Server 0.00008; gnomAD 0.00011 and 0.00014; TOPMed 0.00015.
gnomAD v4.1: 27 of 1,613,904 alleles (0.0017%); highest among the groups gnomAD compares: African/African-American, 0.029%; no homozygotes.

Submissions (4):

Labcorp Genetics (formerly Invitae), Labcorp
Classification: Likely benign for Tatton-Brown-Rahman overgrowth syndrome. Last evaluated: 2025-08-12. Review status: criteria provided, single submitter. Criteria: Invitae Variant Classification Sherloc (09022015). Collection method: clinical testing. Allele origin: germline.

Ambry Genetics
Classification: Likely benign for Inborn genetic diseases. Last evaluated: 2024-12-26. Review status: criteria provided, single submitter. Criteria: Ambry Variant Classification Scheme 2023. Collection method: clinical testing. Allele origin: germline.

Genetic Services Laboratory, University of Chicago
Classification: Uncertain significance. Last evaluated: 2017-01-30. Review status: criteria provided, single submitter. Criteria: ACMG Guidelines, 2015. Collection method: clinical testing. Allele origin: germline. Affected: no.

PreventionGenetics, part of Exact Sciences
Classification: Likely benign for DNMT3A-related condition. Last evaluated: 2022-06-08. Review status: no assertion criteria provided. Collection method: clinical testing. Allele origin: germline. Not counted in ClinVar's aggregate classification.
Comment: This variant is classified as likely benign based on ACMG/AMP sequence variant interpretation guidelines (Richards et al. 2015 PMID: 25741868, with internal and published modifications).

NM_022552.5(DNMT3A):c.1491T>C (p.Cys497=)

Gene: DNMT3A (DNA methyltransferase 3 alpha; minus strand). Cytogenetic location: 2p23.3.
Variant type: single nucleotide variant.
Coding change: c.1491T>C on transcript NM_022552.5 (MANE Select); coding-DNA position 1491, T replaced by C.
Protein change: p.Cys497=; no amino-acid change (cysteine 497 retained).
Molecular consequence: synonymous variant. On other transcripts: non-coding transcript variant (1).
Genome position (GRCh38, 1-based): chr2:25,245,316, A>G on the plus strand (T>C on the coding strand, the complement: DNMT3A is on the minus strand). VCF-style: chr2-25245316-A-G. GRCh37 (hg19) VCF-style: chr2-25468185-A-G.
Other names: c.1491T>C, p.Cys497= (NM_175629.2); c.1035T>C, p.Cys345= (NM_001320893.1); c.822T>C, p.Cys274= (NM_001375819.1); c.924T>C, p.Cys308= (NM_153759.3); c.1491T>C (NM_022552.3).
Identifiers: ClinVar variation 434952 (VCV000434952.13), dbSNP rs375421208, ClinGen allele CA1555984.
Genomic context (GRCh38, chr2:25,245,316, plus strand): 5'-GCAGTTTTGGCACATTCCTCCAACGAAGAGGGGGTGTTCCAGGGTAACATTGAGGCTCCC[A>G]CAGGAGATGCAGATGTCTGGAAAGCAGAGGGAGGGGATGGGGTGAGTACCACCGAAGGGC-3'
Protein context (NP_072046.2, residues 487-507): CRNIEDICIS[Cys497=]GSLNVTLEHP